The following is an entry in ClinVar:

ClinVar aggregate classification (germline): Uncertain significance (1 of 4 stars; one submission).

Conditions:
Severe early-onset pulmonary alveolar proteinosis due to MARS deficiency. Also called: PULMONARY ALVEOLAR PROTEINOSIS, REUNION ISLAND; Interstitial lung and liver disease. Identifiers: Orphanet 440427, MedGen C4225400, MONDO:0014206, OMIM 615486.
Charcot-Marie-Tooth disease axonal type 2U. Also called: CHARCOT-MARIE-TOOTH NEUROPATHY, TYPE 2U; CHARCOT-MARIE-TOOTH DISEASE, AXONAL, AUTOSOMAL DOMINANT, TYPE 2U. Identifiers: Orphanet 397735, MedGen C4084821, MONDO:0014566, OMIM 616280.

Submission:

Labcorp Genetics (formerly Invitae), Labcorp
Classification: Uncertain significance for Charcot-Marie-Tooth disease axonal type 2U; Severe early-onset pulmonary alveolar proteinosis due to MARS deficiency. Last evaluated: 2023-05-13. Review status: criteria provided, single submitter. Criteria: Invitae Variant Classification Sherloc (09022015). Collection method: clinical testing. Allele origin: germline.
Comment: This sequence change replaces isoleucine, which is neutral and non-polar, with valine, which is neutral and non-polar, at codon 624 of the MARS protein (p.Ile624Val). This variant is not present in population databases (gnomAD no frequency). This variant has not been reported in the literature in individuals affected with MARS-related conditions. Algorithms developed to predict the effect of missense changes on protein structure and function output the following: SIFT: "Not Available"; PolyPhen-2: "Benign"; Align-GVGD: "Not Available". The valine amino acid residue is found in multiple mammalian species, which suggests that this missense change does not adversely affect protein function. In summary, the available evidence is currently insufficient to determine the role of this variant in disease. Therefore, it has been classified as a Variant of Uncertain Significance.

NM_004990.4(MARS1):c.1870A>G (p.Ile624Val)

Gene: MARS1 (methionyl-tRNA synthetase 1; plus strand). Cytogenetic location: 12q13.3.
Variant type: single nucleotide variant.
Coding change: c.1870A>G on transcript NM_004990.4 (MANE Select); coding-DNA position 1870, A replaced by G.
Protein change: p.Ile624Val; replaces isoleucine 624 with valine.
Molecular consequence: missense variant.
Genome position (GRCh38, 1-based): chr12:57,512,867, A>G. VCF-style: chr12-57512867-A-G. GRCh37 (hg19) VCF-style: chr12-57906650-A-G.
Other names: short protein forms I624V.
Identifiers: ClinVar variation 2934836 (VCV002934836.3), dbSNP rs2540315074, ClinGen allele CA385463183.